The following is an entry in ClinVar:

ClinVar aggregate classification (germline): Pathogenic (1 of 4 stars; one submission).

Submission:

Labcorp Genetics (formerly Invitae), Labcorp
Classification: Pathogenic. Last evaluated: 2024-01-23. Review status: criteria provided, single submitter. Criteria: Invitae Variant Classification Sherloc (09022015). Collection method: clinical testing. Allele origin: germline.
Comment: This sequence change creates a premature translational stop signal (p.Arg315*) in the KIZ gene. It is expected to result in an absent or disrupted protein product. Loss-of-function variants in KIZ are known to be pathogenic (PMID: 24680887, 29057815). This variant is not present in population databases (gnomAD no frequency). This variant has not been reported in the literature in individuals affected with KIZ-related conditions. For these reasons, this variant has been classified as Pathogenic.

Literature cited by the submitters: PubMed 24680887; PubMed 29057815.

NM_018474.6(KIZ):c.943A>T (p.Arg315Ter)

Gene: KIZ (kizuna centrosomal protein; plus strand). Cytogenetic location: 20p11.23.
Variant type: single nucleotide variant.
Coding change: c.943A>T on transcript NM_018474.6 (MANE Select); coding-DNA position 943, A replaced by T.
Protein change: p.Arg315Ter; replaces arginine 315 with a stop codon.
Molecular consequence: nonsense.
Genome position (GRCh38, 1-based): chr20:21,162,408, A>T. VCF-style: chr20-21162408-A-T. GRCh37 (hg19) VCF-style: chr20-21143049-A-T.
Other names: c.634A>T, p.Arg212Ter (NM_001163022.3, NM_001352435.2); c.544A>T, p.Arg182Ter (NM_001163023.3); c.796A>T, p.Arg266Ter (NM_001276389.2); c.943A>T, p.Arg315Ter (NM_001352434.2); c.601A>T, p.Arg201Ter (NM_001352436.2); short protein forms R201*, R266*, R182*, R315*, R212*.
Identifiers: ClinVar variation 2766547 (VCV002766547.3), dbSNP rs1353241230, ClinGen allele CA408493066.